The following is an entry in ClinVar:

NM_024494.3(WNT2B):c.194C>T (p.Ala65Val)

Gene: WNT2B (Wnt family member 2B; plus strand). Cytogenetic location: 1p13.2.
Variant type: single nucleotide variant.
Coding change: c.194C>T on transcript NM_024494.3 (MANE Select); coding-DNA position 194, C replaced by T.
Protein change: p.Ala65Val; replaces alanine 65 with valine.
Molecular consequence: missense variant. On other transcripts: 5 prime UTR variant (1).
Genome position (GRCh38, 1-based): chr1:112,514,885, C>T. VCF-style: chr1-112514885-C-T. GRCh37 (hg19) VCF-style: chr1-113057507-C-T.
Other names: c.-83C>T (NM_001291880.1); c.137C>T, p.Ala46Val (NM_004185.4); short protein forms A65V, A46V.
Identifiers: ClinVar variation 2003963 (VCV002003963.4), dbSNP rs2526494927, ClinGen allele CA341652488.

ClinVar aggregate classification (germline): Uncertain significance (1 of 4 stars; one submission).

Submission:

Labcorp Genetics (formerly Invitae), Labcorp
Classification: Uncertain significance. Last evaluated: 2022-06-09. Review status: criteria provided, single submitter. Criteria: Invitae Variant Classification Sherloc (09022015). Collection method: clinical testing. Allele origin: germline.
Comment: In summary, the available evidence is currently insufficient to determine the role of this variant in disease. Therefore, it has been classified as a Variant of Uncertain Significance. Algorithms developed to predict the effect of missense changes on protein structure and function are either unavailable or do not agree on the potential impact of this missense change (SIFT: "Deleterious"; PolyPhen-2: "Benign"; Align-GVGD: "Class C0"). This variant has not been reported in the literature in individuals affected with WNT2B-related conditions. This variant is not present in population databases (gnomAD no frequency). This sequence change replaces alanine, which is neutral and non-polar, with valine, which is neutral and non-polar, at codon 65 of the WNT2B protein (p.Ala65Val).